The following is an entry in ClinVar:

NM_014989.7(RIMS1):c.2500G>C (p.Asp834His)

Gene: RIMS1 (regulating synaptic membrane exocytosis 1; plus strand). Cytogenetic location: 6q13.
Variant type: single nucleotide variant.
Coding change: c.2500G>C on transcript NM_014989.7 (MANE Select); coding-DNA position 2500, G replaced by C.
Protein change: p.Asp834His; replaces aspartic acid 834 with histidine.
Molecular consequence: missense variant.
Genome position (GRCh38, 1-based): chr6:72,251,048, G>C. VCF-style: chr6-72251048-G-C. GRCh37 (hg19) VCF-style: chr6-72960751-G-C.
Other names: c.922G>C, p.Asp308His (NM_001168407.2, NM_001168408.2, NM_001350414.2 and 37 more transcripts); c.679G>C, p.Asp227His (NM_001168409.2, NM_001350461.2, NM_001350463.2 and 6 more transcripts); c.877G>C, p.Asp293His (NM_001168410.2, NM_001350470.2, NM_001350472.2 and 2 more transcripts); c.853G>C, p.Asp285His (NM_001350421.2, NM_001350424.2, NM_001350428.2 and 6 more transcripts); short protein forms D293H, D834H, D227H, D285H, D308H.
Identifiers: ClinVar variation 1926815 (VCV001926815.5), dbSNP rs181727168, ClinGen allele CA3885969.

ClinVar aggregate classification (germline): Uncertain significance (1 of 4 stars; one submission).

Allele frequency attached by ClinVar (database versions not stated): TOPMed 0.00002; gnomAD 0.00003; ExAC 0.00006; 1000 Genomes Project 30x 0.00047; 1000 Genomes Project 0.00060.
gnomAD v4.1: 14 of 1,585,072 alleles (0.00088%); highest among the groups gnomAD compares: African/African-American, 0.017%; no homozygotes.

Submission:

Labcorp Genetics (formerly Invitae), Labcorp
Classification: Uncertain significance. Last evaluated: 2025-12-30. Review status: criteria provided, single submitter. Criteria: Invitae Variant Classification Sherloc (09022015). Collection method: clinical testing. Allele origin: germline.
Comment: This sequence change replaces aspartic acid, which is acidic and polar, with histidine, which is basic and polar, at codon 834 of the RIMS1 protein (p.Asp834His). This variant is present in population databases (rs181727168, gnomAD 0.02%). This variant has not been reported in the literature in individuals affected with RIMS1-related conditions. ClinVar contains an entry for this variant (Variation ID: 1926815). An algorithm developed to predict the effect of missense changes on protein structure and function (PolyPhen-2) suggests that this variant is likely to be disruptive. In summary, the available evidence is currently insufficient to determine the role of this variant in disease. Therefore, it has been classified as a Variant of Uncertain Significance.